The following is an entry in ClinVar:

ClinVar aggregate classification (germline): Uncertain significance (1 of 4 stars; one submission).

Submission:

GeneDx
Classification: Uncertain significance. Last evaluated: 2026-03-16. Review status: criteria provided, single submitter. Criteria: GeneDx Variant Classification Process June 2021. Collection method: clinical testing. Allele origin: germline.
Comment: Not observed at significant frequency in large population cohorts (gnomAD); In silico analysis supports that this missense variant has a deleterious effect on protein structure/function; Has not been previously published as pathogenic or benign to our knowledge

NM_198880.3(QRICH1):c.181T>C (p.Cys61Arg)

Gene: QRICH1 (glutamine rich 1; minus strand). Cytogenetic location: 3p21.31.
Variant type: single nucleotide variant.
Coding change: c.181T>C on transcript NM_198880.3 (MANE Select); coding-DNA position 181, T replaced by C.
Protein change: p.Cys61Arg; replaces cysteine 61 with arginine.
Molecular consequence: missense variant.
Genome position (GRCh38, 1-based): chr3:49,076,837, A>G on the plus strand (T>C on the coding strand, the complement: QRICH1 is on the minus strand). VCF-style: chr3-49076837-A-G. GRCh37 (hg19) VCF-style: chr3-49114270-A-G.
Other names: c.181T>C, p.Cys61Arg (NM_001320580.2, NM_001320581.2, NM_001320582.2 and 4 more transcripts); short protein forms C61R.
Identifiers: ClinVar variation 5010084 (VCV005010084.1).
Genomic context (GRCh38, chr3:49,076,837, plus strand): 5'-TGACTGGACAGGCAAGTTCAAGCAAAGACCCAGCCACTTCAGTGCTGTCTGTGTATATGC[A>G]GTTCCCACCCTGTTGGTACACCATGGTAGTGGTGGCTGTCTGCTGGAACTCCTGAAGGGC-3'
Protein context (NP_942581.1, residues 51-71): TTMVYQQGGN[Cys61Arg]IYTDSTEVAG